The following is an entry in ClinVar:

NM_182961.4(SYNE1):c.10597C>A (p.Arg3533Ser)

Gene: SYNE1 (spectrin repeat containing nuclear envelope protein 1; minus strand). Cytogenetic location: 6q25.2.
Variant type: single nucleotide variant.
Coding change: c.10597C>A on transcript NM_182961.4 (MANE Select); coding-DNA position 10597, C replaced by A.
Protein change: p.Arg3533Ser; replaces arginine 3533 with serine.
Molecular consequence: missense variant.
Genome position (GRCh38, 1-based): chr6:152,358,384, G>T on the plus strand (C>A on the coding strand, the complement: SYNE1 is on the minus strand). VCF-style: chr6-152358384-G-T. GRCh37 (hg19) VCF-style: chr6-152679519-G-T.
Other names: c.10618C>A, p.Arg3540Ser (NM_033071.5); short protein forms R3533S, R3540S.
Identifiers: ClinVar variation 470990 (VCV000470990.9), dbSNP rs776816480, ClinGen allele CA4056920.

ClinVar aggregate classification (germline): Uncertain significance. Review status: criteria provided, multiple submitters, no conflicts (2 of 4 stars). 2 submissions from 2 submitters: Uncertain significance (2). Last evaluated 2024-10-23.

Conditions:
Emery-Dreifuss muscular dystrophy 4, autosomal dominant (EDMD4). Also called: EMERY-DREIFUSS MUSCULAR DYSTROPHY 4 WITH VARIABLE FEATURES. Identifiers: Orphanet 261, MedGen C2751807, MONDO:0013071, OMIM 612998.
Autosomal recessive ataxia, Beauce type. Also called: SYNE1-Related Autosomal Recessive Cerebellar Ataxia; Spinocerebellar ataxia, autosomal recessive 8; ATAXIA, RECESSIVE, OF BEAUCE; SYNE1 Deficiency. Identifiers: Orphanet 88644, MedGen C1853116, MONDO:0012549, OMIM 610743.

gnomAD v4.1: 13 of 1,614,086 alleles (0.00081%); highest among the groups gnomAD compares: Non-Finnish European, 0.001%; no homozygotes.

Submissions (2):

Labcorp Genetics (formerly Invitae), Labcorp
Classification: Uncertain significance for Emery-Dreifuss muscular dystrophy 4, autosomal dominant; Autosomal recessive ataxia, Beauce type. Last evaluated: 2024-10-23. Review status: criteria provided, single submitter. Criteria: Invitae Variant Classification Sherloc (09022015). Collection method: clinical testing. Allele origin: germline.
Comment: This sequence change replaces arginine, which is basic and polar, with serine, which is neutral and polar, at codon 3540 of the SYNE1 protein (p.Arg3540Ser). This variant is present in population databases (rs776816480, gnomAD 0.004%). This variant has not been reported in the literature in individuals affected with SYNE1-related conditions. ClinVar contains an entry for this variant (Variation ID: 470990). An algorithm developed to predict the effect of missense changes on protein structure and function (PolyPhen-2) suggests that this variant is likely to be tolerated. In summary, the available evidence is currently insufficient to determine the role of this variant in disease. Therefore, it has been classified as a Variant of Uncertain Significance.

Athena Diagnostics
Classification: Uncertain significance. Last evaluated: 2017-09-05. Review status: criteria provided, single submitter. Criteria: Athena Diagnostics Criteria. Collection method: clinical testing. Allele origin: germline.